The following is an entry in ClinVar:

NM_018124.4(RFWD3):c.1087C>G (p.Leu363Val)

Gene: RFWD3 (ring finger and WD repeat domain 3; minus strand). Cytogenetic location: 16q23.1.
Variant type: single nucleotide variant.
Coding change: c.1087C>G on transcript NM_018124.4 (MANE Select); coding-DNA position 1087, C replaced by G.
Protein change: p.Leu363Val; replaces leucine 363 with valine.
Molecular consequence: missense variant.
Genome position (GRCh38, 1-based): chr16:74,637,963, G>C on the plus strand (C>G on the coding strand, the complement: RFWD3 is on the minus strand). VCF-style: chr16-74637963-G-C. GRCh37 (hg19) VCF-style: chr16-74671861-G-C.
Other names: c.1087C>G, p.Leu363Val (NM_001370534.1, NM_001370535.1, NM_001370536.1); c.253C>G, p.Leu85Val (NM_001370537.1, NM_001370539.1, NM_001370540.1 and 2 more transcripts); short protein forms L363V, L85V.
Identifiers: ClinVar variation 3672405 (VCV003672405.2).
Genomic context (GRCh38, chr16:74,637,963, plus strand): 5'-GTTGGAGTCGGCACTGTGCTGATTCTAACTCGGCCTGTTTCCTTAGCATCTGTTCCTTCA[G>C]TAGGGAACTAGAGGGGGAAAGCCAGCAACAAGTGGGGATTAGGAAGGCTACAGAAGACTT-3'
Protein context (NP_060594.3, residues 353-373): SEQERMKSSL[Leu363Val]KEQMLRKQAE

ClinVar aggregate classification (germline): Uncertain significance (1 of 4 stars; one submission).

gnomAD v4.1: 4 of 1,608,882 alleles (0.00025%); highest among the groups gnomAD compares: Non-Finnish European, 0.00025%; no homozygotes.

Submission:

Labcorp Genetics (formerly Invitae), Labcorp
Classification: Uncertain significance. Last evaluated: 2025-05-02. Review status: criteria provided, single submitter. Criteria: Invitae Variant Classification Sherloc (09022015). Collection method: clinical testing. Allele origin: germline.
Comment: This sequence change replaces leucine, which is neutral and non-polar, with valine, which is neutral and non-polar, at codon 363 of the RFWD3 protein (p.Leu363Val). This variant is not present in population databases (gnomAD no frequency). This variant has not been reported in the literature in individuals affected with RFWD3-related conditions. ClinVar contains an entry for this variant (Variation ID: 3672405). An algorithm developed to predict the effect of missense changes on protein structure and function outputs the following: PolyPhen-2: "Benign". The valine amino acid residue is found in multiple mammalian species, which suggests that this missense change does not adversely affect protein function. In summary, the available evidence is currently insufficient to determine the role of this variant in disease. Therefore, it has been classified as a Variant of Uncertain Significance.